The following is an entry in ClinVar:

ClinVar aggregate classification (germline): Uncertain significance (1 of 4 stars; one submission).

Conditions:
Noonan syndrome 9 (NS9). Identifiers: Orphanet 648, MedGen C4225282, MONDO:0014691, OMIM 616559.

Allele frequency attached by ClinVar (database versions not stated): gnomAD 0.00001; TOPMed 0.00001; gnomAD exomes 0.00002.
gnomAD v4.1: 24 of 1,604,504 alleles (0.0015%); highest among the groups gnomAD compares: Non-Finnish European, 0.002%; no homozygotes.

Submission:

Labcorp Genetics (formerly Invitae), Labcorp
Classification: Uncertain significance for Noonan syndrome 9. Last evaluated: 2022-05-25. Review status: criteria provided, single submitter. Criteria: Invitae Variant Classification Sherloc (09022015). Collection method: clinical testing. Allele origin: germline.
Comment: In summary, the available evidence is currently insufficient to determine the role of this variant in disease. Therefore, it has been classified as a Variant of Uncertain Significance. Variants that disrupt the consensus splice site are a relatively common cause of aberrant splicing (PMID: 17576681, 9536098). Algorithms developed to predict the effect of sequence changes on RNA splicing suggest that this variant is not likely to affect RNA splicing. This variant has not been reported in the literature in individuals affected with SOS2-related conditions. This variant is not present in population databases (gnomAD no frequency). This sequence change falls in intron 9 of the SOS2 gene. It does not directly change the encoded amino acid sequence of the SOS2 protein. It affects a nucleotide within the consensus splice site.

Literature cited by the submitters: PubMed 17576681; PubMed 9536098.

NM_006939.4(SOS2):c.1197-3T>C

Gene: SOS2 (SOS Ras/Rho guanine nucleotide exchange factor 2; minus strand). Cytogenetic location: 14q21.3.
Variant type: single nucleotide variant.
Coding change: c.1197-3T>C on transcript NM_006939.4 (MANE Select); 3 bases into the intron before coding-DNA position 1197, T replaced by C.
Molecular consequence: intron variant.
Genome position (GRCh38, 1-based): chr14:50,160,089, A>G on the plus strand (T>C on the coding strand, the complement: SOS2 is on the minus strand). VCF-style: chr14-50160089-A-G. GRCh37 (hg19) VCF-style: chr14-50626807-A-G.
Identifiers: ClinVar variation 1515954 (VCV001515954.6), dbSNP rs1252986580, ClinGen allele CA706557004.